The following is an entry in ClinVar:

ClinVar aggregate classification (germline): Likely benign (1 of 4 stars; one submission).

Conditions:
Breast-ovarian cancer, familial, susceptibility to, 2 (BROVCA2). Also called: BRCA2 Hereditary Breast and Ovarian Cancer. Identifiers: Orphanet 145, MedGen C2675520, MONDO:0012933, OMIM 612555. Disease mechanism: loss of function.

gnomAD v4.1: 1 of 1,614,002 alleles (0.000062%); highest among the groups gnomAD compares: South Asian, 0.0011%; no homozygotes.

Submission:

Cancer Bioinformatics and Tumour Evolution Laboratory, Monash University
Classification: Likely benign for Breast-ovarian cancer, familial, susceptibility to, 2. Last evaluated: 2026-05-01. Review status: criteria provided, single submitter. Criteria: ClinGen BRCA1 and BRCA2 Guidelines, 2024. Collection method: curation. Allele origin: germline. Inheritance: Autosomal dominant inheritance.
Comment: Missense variant outside of a functional domain with no splice impact. BRCA1 and BRCA2 VCEP guidelines recommend application of BP1_Strong (PMID: 39142283)

NM_000059.4(BRCA2):c.6802A>G (p.Arg2268Gly)

Gene: BRCA2 (BRCA2 DNA repair associated; plus strand). Cytogenetic location: 13q13.1.
Variant type: single nucleotide variant.
Coding change: c.6802A>G on transcript NM_000059.4 (MANE Select); coding-DNA position 6802, A replaced by G.
Protein change: p.Arg2268Gly; replaces arginine 2268 with glycine.
Molecular consequence: missense variant. On other transcripts: non-coding transcript variant (1), intron variant (2).
Genome position (GRCh38, 1-based): chr13:32,341,157, A>G. VCF-style: chr13-32341157-A-G. GRCh37 (hg19) VCF-style: chr13-32915294-A-G.
Other names: c.6802A>G, p.Arg2268Gly (NM_001406719.1, NM_001406720.1, NM_001432077.1); c.1910-3401A>G (NM_001406721.1); c.425-3401A>G (NM_001406722.1); short protein forms R2268G.
Identifiers: ClinVar variation 4856462 (VCV004856462.1).